The following is an entry in ClinVar:

NM_000936.4(PNLIP):c.526G>A (p.Gly176Arg)

Gene: PNLIP (pancreatic lipase; plus strand). Cytogenetic location: 10q25.3.
Variant type: single nucleotide variant.
Coding change: c.526G>A on transcript NM_000936.4 (MANE Select); coding-DNA position 526, G replaced by A.
Protein change: p.Gly176Arg; replaces glycine 176 with arginine.
Molecular consequence: missense variant.
Genome position (GRCh38, 1-based): chr10:116,553,793, G>A. VCF-style: chr10-116553793-G-A. GRCh37 (hg19) VCF-style: chr10-118313305-G-A.
Other names: short protein forms G176R.
Identifiers: ClinVar variation 432668 (VCV000432668.2), dbSNP rs1339962883, ClinGen allele CA378494125.

ClinVar aggregate classification (germline): Uncertain significance (1 of 4 stars; one submission).

Allele frequency attached by ClinVar (database versions not stated): gnomAD exomes below 0.00001.
gnomAD v4.1: 3 of 1,613,248 alleles (0.00019%); highest among the groups gnomAD compares: Non-Finnish European, 0.00017%; no homozygotes.

Submission:

GeneDx
Classification: Uncertain significance. Last evaluated: 2017-06-19. Review status: criteria provided, single submitter. Criteria: GeneDx Variant Classification (06012015). Collection method: clinical testing. Allele origin: germline. Affected: yes.
Comment: The G176R variant in the PNLIP gene has not been reported previously as a pathogenic variant, nor as a benign variant, to our knowledge. This variant is not observed in large population cohorts (Lek et al., 2016; 1000 Genomes Consortium et al., 2015; Exome Variant Server). The G176R variant is a non-conservative amino acid substitution, which is likely to impact secondary protein structure as these residues differ in polarity, charge, size and/or other properties. This substitution occurs at a position where amino acids with similar properties to Glycine are tolerated across species. In silico analysis predicts this variant is probably damaging to the protein structure/function. Based on currently available evidence, we interpret G176R as a variant of uncertain significance.